The following is an entry in ClinVar:

NM_005633.4(SOS1):c.3869C>T (p.Pro1290Leu)

Gene: SOS1 (SOS Ras/Rac guanine nucleotide exchange factor 1; minus strand). Cytogenetic location: 2p22.1.
Variant type: single nucleotide variant.
Coding change: c.3869C>T on transcript NM_005633.4 (MANE Select); coding-DNA position 3869, C replaced by T.
Protein change: p.Pro1290Leu; replaces proline 1290 with leucine.
Molecular consequence: missense variant.
Genome position (GRCh38, 1-based): chr2:38,985,957, G>A on the plus strand (C>T on the coding strand, the complement: SOS1 is on the minus strand). VCF-style: chr2-38985957-G-A. GRCh37 (hg19) VCF-style: chr2-39213098-G-A.
Other names: c.3848C>T, p.Pro1283Leu (NM_001382394.1); c.3824C>T, p.Pro1275Leu (NM_001382395.1); short protein forms P1275L, P1283L, P1290L.
Identifiers: ClinVar variation 2504802 (VCV002504802.4), dbSNP rs2124454358, ClinGen allele CA346362148.

ClinVar aggregate classification (germline): Uncertain significance. Review status: criteria provided, multiple submitters, no conflicts (2 of 4 stars). 2 submissions from 2 submitters: Uncertain significance (2). Last evaluated 2023-09-26.

Conditions:
RASopathy. Also called: rasopathies; Noonan spectrum disorder. Identifiers: Orphanet 536391, MedGen C5555857, MONDO:0021060.

Submissions (2):

Labcorp Genetics (formerly Invitae), Labcorp
Classification: Uncertain significance for RASopathy. Last evaluated: 2023-09-26. Review status: criteria provided, single submitter. Criteria: Invitae Variant Classification Sherloc (09022015). Collection method: clinical testing. Allele origin: germline.
Comment: This sequence change replaces proline, which is neutral and non-polar, with leucine, which is neutral and non-polar, at codon 1290 of the SOS1 protein (p.Pro1290Leu). This variant is not present in population databases (gnomAD no frequency). This variant has not been reported in the literature in individuals affected with SOS1-related conditions. ClinVar contains an entry for this variant (Variation ID: 2504802). Advanced modeling of protein sequence and biophysical properties (such as structural, functional, and spatial information, amino acid conservation, physicochemical variation, residue mobility, and thermodynamic stability) has been performed at Invitae for this missense variant, however the output from this modeling did not meet the statistical confidence thresholds required to predict the impact of this variant on SOS1 protein function. In summary, the available evidence is currently insufficient to determine the role of this variant in disease. Therefore, it has been classified as a Variant of Uncertain Significance.

GeneDx
Classification: Uncertain significance. Last evaluated: 2022-12-05. Review status: criteria provided, single submitter. Criteria: GeneDx Variant Classification Process June 2021. Collection method: clinical testing. Allele origin: germline. Affected: yes.
Comment: Not observed at significant frequency in large population cohorts (gnomAD); In silico analysis supports that this missense variant has a deleterious effect on protein structure/function; Missense variants in this gene are often considered pathogenic (HGMD); Has not been previously published as pathogenic or benign to our knowledge; This variant is associated with the following publications: (PMID: 29493581)